The following is an entry in ClinVar:

NM_004517.4(ILK):c.277A>G (p.Ile93Val)

Genes: ILK (integrin linked kinase; plus strand), TAF10 (TATA-box binding protein associated factor 10; minus strand). Cytogenetic location: 11p15.4.
Variant type: single nucleotide variant.
Coding change: c.277A>G on transcript NM_004517.4 (MANE Select); coding-DNA position 277, A replaced by G.
Protein change: p.Ile93Val; replaces isoleucine 93 with valine.
Molecular consequence: missense variant. On other transcripts: 5 prime UTR variant (1), 3 prime UTR variant (1).
Genome position (GRCh38, 1-based): chr11:6,608,415, A>G. VCF-style: chr11-6608415-A-G. GRCh37 (hg19) VCF-style: chr11-6629645-A-G.
Other names: c.277A>G, p.Ile93Val (NM_001014794.3, NM_001014795.3, NM_001278441.2); c.-126A>G (NM_001278442.2); c.*2507T>C (NM_006284.4); short protein forms I93V.
Identifiers: ClinVar variation 418259 (VCV000418259.9), dbSNP rs777569798, ClinGen allele CA5858009.

ClinVar aggregate classification (germline): Uncertain significance. Review status: criteria provided, multiple submitters, no conflicts (2 of 4 stars). 3 submissions from 3 submitters: Uncertain significance (3). Last evaluated 2025-06-09.

Conditions:
Primary familial hypertrophic cardiomyopathy (HCM). Identifiers: Orphanet 99739, MedGen C0949658, MeSH D024741, MONDO:0024573. Inheritance: Various modes of inheritance.

Allele frequency attached by ClinVar (database versions not stated): gnomAD exomes 0.00002 and 0.00003; ExAC 0.00003; gnomAD 0.00003; TOPMed 0.00004.
gnomAD v4.1: 43 of 1,614,080 alleles (0.0027%); highest among the groups gnomAD compares: Admixed American, 0.0083%; no homozygotes.

Submissions (3):

Labcorp Genetics (formerly Invitae), Labcorp
Classification: Uncertain significance for Primary familial hypertrophic cardiomyopathy. Last evaluated: 2025-06-09. Review status: criteria provided, single submitter. Criteria: Invitae Variant Classification Sherloc (09022015). Collection method: clinical testing. Allele origin: germline.
Comment: This sequence change replaces isoleucine, which is neutral and non-polar, with valine, which is neutral and non-polar, at codon 93 of the ILK protein (p.Ile93Val). This variant is present in population databases (rs777569798, gnomAD 0.004%). This variant has not been reported in the literature in individuals affected with ILK-related conditions. ClinVar contains an entry for this variant (Variation ID: 418259). An algorithm developed to predict the effect of missense changes on protein structure and function (PolyPhen-2) suggests that this variant is likely to be tolerated. In summary, the available evidence is currently insufficient to determine the role of this variant in disease. Therefore, it has been classified as a Variant of Uncertain Significance.

Ambry Genetics
Classification: Uncertain significance. Last evaluated: 2023-03-07. Review status: criteria provided, single submitter. Criteria: Ambry Variant Classification Scheme 2023. Collection method: clinical testing. Allele origin: germline.

GeneDx
Classification: Uncertain significance. Last evaluated: 2017-02-14. Review status: criteria provided, single submitter. Criteria: GeneDx Variant Classification (06012015). Collection method: clinical testing. Allele origin: germline. Affected: yes.
Comment: A variant of uncertain significance has been identified in the ILK gene. The I93V variant has not been published as pathogenic or been reported as benign to our knowledge. This variant is not observed at a significant frequency in large population cohorts (Lek et al., 2016; 1000 Genomes Consortium et al., 2015; Exome Variant Server). However, the I93V variant is a conservative amino acid substitution, which is not likely to impact secondary protein structure as these residues share similar properties. This substitution occurs at a position that is only conserved in mammals and where valine is tolerated in one non-mammalian specie. Finally, in silico analysis is inconsistent in its predictions as to whether or not the variant is damaging to the protein structure/function.